The following is an entry in ClinVar:

NM_013372.7(GREM1):c.494C>A (p.Thr165Asn)

Gene: GREM1 (gremlin 1, DAN family BMP antagonist; plus strand). Cytogenetic location: 15q13.3.
Variant type: single nucleotide variant.
Coding change: c.494C>A on transcript NM_013372.7 (MANE Select); coding-DNA position 494, C replaced by A.
Protein change: p.Thr165Asn; replaces threonine 165 with asparagine.
Molecular consequence: missense variant.
Genome position (GRCh38, 1-based): chr15:32,731,184, C>A. VCF-style: chr15-32731184-C-A. GRCh37 (hg19) VCF-style: chr15-33023385-C-A.
Other names: c.284C>A, p.Thr95Asn (NM_001191322.2); c.371C>A, p.Thr124Asn (NM_001191323.2); c.494C>A, p.Thr165Asn (NM_001368719.1); short protein forms T124N, T165N, T95N.
Identifiers: ClinVar variation 3226271 (VCV003226271.1), dbSNP rs2548708080, ClinGen allele CA391558080.

ClinVar aggregate classification (germline): Uncertain significance (1 of 4 stars; one submission).

Conditions:
Hereditary cancer-predisposing syndrome. Also called: Neoplastic Syndromes, Hereditary; Tumor predisposition; Hereditary neoplastic syndrome; Hereditary Cancer Syndrome. Identifiers: Orphanet 140162, MedGen C0027672, MeSH D009386, MONDO:0015356.

Submission:

Ambry Genetics
Classification: Uncertain significance for Hereditary cancer-predisposing syndrome. Last evaluated: 2023-11-16. Review status: criteria provided, single submitter. Criteria: Ambry Variant Classification Scheme 2023. Collection method: clinical testing. Allele origin: germline.
Comment: The p.T165N variant (also known as c.494C>A), located in coding exon 1 of the GREM1 gene, results from a C to A substitution at nucleotide position 494. The threonine at codon 165 is replaced by asparagine, an amino acid with similar properties. This amino acid position is conserved. In addition, this alteration is predicted to be tolerated by in silico analysis. Since supporting evidence is limited at this time, the clinical significance of this alteration remains unclear.